The following is an entry in ClinVar:

NM_002715.4(PPP2CA):c.312+1G>A

Gene: PPP2CA (protein phosphatase 2 catalytic subunit alpha; minus strand). Cytogenetic location: 5q31.1.
Variant type: single nucleotide variant.
Coding change: c.312+1G>A on transcript NM_002715.4 (MANE Select); the canonical splice donor site of the intron after coding-DNA position 312, G replaced by A.
Molecular consequence: splice donor variant.
Genome position (GRCh38, 1-based): chr5:134,205,921, C>T on the plus strand (G>A on the coding strand, the complement: PPP2CA is on the minus strand). VCF-style: chr5-134205921-C-T. GRCh37 (hg19) VCF-style: chr5-133541612-C-T.
Other names: c.117+1G>A (NM_001355019.2).
Identifiers: ClinVar variation 3254873 (VCV003254873.1), dbSNP rs2481058144.

ClinVar aggregate classification (germline): Uncertain significance (1 of 4 stars; one submission).

Conditions:
Houge-Janssens syndrome 3. Also called: NEURODEVELOPMENTAL DISORDER AND LANGUAGE DELAY WITH OR WITHOUT STRUCTURAL BRAIN ABNORMALITIES. Identifiers: MedGen C5193048, MONDO:0032697, OMIM 618354.

Submission:

Victorian Clinical Genetics Services, Murdoch Childrens Research Institute
Classification: Uncertain significance for Houge-Janssens syndrome 3. Last evaluated: 2023-07-17. Review status: criteria provided, single submitter. Criteria: ACMG Guidelines, 2015. Collection method: clinical testing. Allele origin: germline. Inheritance: Autosomal dominant inheritance. Affected: yes.
Comment: Based on the classification scheme VCGS_Germline_v1.3.4, this variant is classified as VUS-3A. Following criteria are met: 0102 - Loss of function is a known mechanism of disease in this gene and is associated with neurodevelopmental disorder and language delay with or without structural brain abnormalities (MIM#618354). (I) 0107 - This gene is associated with autosomal dominant disease. (I) 0211 - Canonical splice site variant without proven consequence on splicing (no functional evidence available). (SP) 0251 - This variant is heterozygous. (I) 0301 - Variant is absent from gnomAD (both v2 and v3). (SP) 0505 - Abnormal splicing is predicted by in silico tools and affected nucleotide is highly conserved. (SP) 0705 - No comparable splice site variants have previous evidence for pathogenicity. (I) 0807 - This variant has no previous evidence of pathogenicity. (I) 0905 - No published segregation evidence has been identified for this variant. (I) 1007 - No published functional evidence has been identified for this variant. (I) 1208 - Inheritance information for this variant is not currently available in this individual. (I) Legend: (SP) - Supporting pathogenic, (I) - Information, (SB) - Supporting benign